The following is an entry in ClinVar:

NM_014363.6(SACS):c.13469A>G (p.Tyr4490Cys)

Gene: SACS (sacsin molecular chaperone; minus strand). Cytogenetic location: 13q12.12.
Variant type: single nucleotide variant.
Coding change: c.13469A>G on transcript NM_014363.6 (MANE Select); coding-DNA position 13469, A replaced by G.
Protein change: p.Tyr4490Cys; replaces tyrosine 4490 with cysteine.
Molecular consequence: missense variant.
Genome position (GRCh38, 1-based): chr13:23,330,407, T>C on the plus strand (A>G on the coding strand, the complement: SACS is on the minus strand). VCF-style: chr13-23330407-T-C. GRCh37 (hg19) VCF-style: chr13-23904546-T-C.
Other names: c.13028A>G, p.Tyr4343Cys (NM_001278055.2); short protein forms Y4343C, Y4490C.
Identifiers: ClinVar variation 3896974 (VCV003896974.2).

ClinVar aggregate classification (germline): Uncertain significance. Review status: criteria provided, multiple submitters, no conflicts (2 of 4 stars). 2 submissions from 2 submitters: Uncertain significance (2). Last evaluated 2026-09-08.

Conditions:
Charlevoix-Saguenay spastic ataxia (SACS). Also called: SPASTIC ATAXIA 6, AUTOSOMAL RECESSIVE; AUTOSOMAL RECESSIVE SPASTIC ATAXIA OF CHARLEVOIX-SAGUENAY; Spastic ataxia of Charlevoix-Saguenay. Identifiers: Orphanet 98, MedGen C1849140, MONDO:0010041, OMIM 270550.

gnomAD v4.1: 7 of 1,614,090 alleles (0.00043%); highest among the groups gnomAD compares: Admixed American, 0.0033%; no homozygotes.

Submissions (2):

Myriad Genetics, Inc.
Classification: Uncertain significance for Charlevoix-Saguenay spastic ataxia. Last evaluated: 2026-09-08. Review status: criteria provided, single submitter. Criteria: Myriad Autosomal Dominant, Autosomal Recessive and X-Linked Classification Criteria (2023). Collection method: clinical testing. Allele origin: unknown.
Comment: NM_014363.4(SACS):c.13469A>G(Y4490C) is a missense variant classified as a variant of uncertain significance in the context of autosomal recessive spastic ataxia of Charlevoix-Saguenay. Y4490C has been observed in a case with relevant disease (PMID: 38374194). Relevant functional assessments of this variant are not available in the literature. Y4490C has been observed in referenced population frequency databases. In summary, there is insufficient evidence to classify NM_014363.4(SACS):c.13469A>G(Y4490C) as pathogenic or benign. Please note: this variant was assessed in the context of healthy population screening.

Kariminejad - Najmabadi Pathology & Genetics Center
Classification: Uncertain significance for Charlevoix-Saguenay spastic ataxia. Last evaluated: 2018-07-24. Review status: criteria provided, single submitter. Criteria: ACMG Guidelines, 2015. Collection method: clinical testing. Allele origin: germline. Inheritance: Autosomal recessive inheritance. Affected: yes.
Comment: PM1 PM2 PP3

Literature cited by the submitters: PubMed 38374194 (cited by Myriad Genetics, Inc.).